The following is an entry in ClinVar:

ClinVar aggregate classification (germline): Conflicting classifications of pathogenicity. Review status: criteria provided, conflicting classifications (1 of 4 stars). 7 submissions from 5 submitters: Uncertain significance (5); Benign (1); Likely benign (1). Last evaluated 2026-01-05.

Conditions:
Meacham syndrome. Also called: Meacham Winn Culler syndrome. Identifiers: Orphanet 3097, MedGen C1837026, MONDO:0012164, OMIM 608978.
Wilms tumor 1 (WT1). Also called: Wilms tumor, somatic. Identifiers: Orphanet 654, MedGen CN033288, MONDO:0008679, OMIM 194070.
Frasier syndrome. Identifiers: Orphanet 347, MedGen C0950122, MeSH D052159, MONDO:0007635, OMIM 136680.
11p partial monosomy syndrome (WAGR). Also called: CHROMOSOME 11p13 DELETION SYNDROME; WAGR syndrome; WAGR Complex; WAGR Spectrum Disorder. Identifiers: Orphanet 893, MedGen C0206115, MONDO:0008681, OMIM 194072.
Drash syndrome (DDS). Also called: NEPHROPATHY, WILMS TUMOR, AND GENITAL ANOMALIES; WILMS TUMOR AND PSEUDO- OR TRUE HERMAPHRODITISM. Identifiers: Orphanet 220, MedGen C0950121, MONDO:0008682, OMIM 194080.
Inborn genetic diseases. Identifiers: MedGen C0950123, MeSH D030342.
Nephrotic syndrome, type 4 (NPHS4). Also called: Familial mesangial sclerosis; Nephrotic syndrome, early onset with diffuse mesangial sclerosis. Identifiers: Orphanet 656, MedGen C3151568, MONDO:0009733, OMIM 256370.

Allele frequency attached by ClinVar (database versions not stated): TOPMed 0.00001; ExAC 0.00002; gnomAD 0.00002; gnomAD exomes 0.00002 and 0.00004.
gnomAD v4.1: 65 of 1,607,976 alleles (0.004%); highest among the groups gnomAD compares: South Asian, 0.011%; no homozygotes.

Submissions (7):

Labcorp Genetics (formerly Invitae), Labcorp
Classification: Uncertain significance for Wilms tumor 1; Drash syndrome; 11p partial monosomy syndrome; Frasier syndrome. Last evaluated: 2026-01-05. Review status: criteria provided, single submitter. Criteria: Invitae Variant Classification Sherloc (09022015). Collection method: clinical testing. Allele origin: germline.
Comment: This sequence change falls in intron 3 of the WT1 gene. It does not directly change the encoded amino acid sequence of the WT1 protein. It affects a nucleotide within the consensus splice site. This variant is present in population databases (rs778673400, gnomAD 0.01%). This variant has not been reported in the literature in individuals affected with WT1-related conditions. ClinVar contains an entry for this variant (Variation ID: 304421). Variants that disrupt the consensus splice site are a relatively common cause of aberrant splicing (PMID: 17576681, 9536098). Algorithms developed to predict the effect of sequence changes on RNA splicing suggest that this variant is not likely to affect RNA splicing. In summary, the available evidence is currently insufficient to determine the role of this variant in disease. Therefore, it has been classified as a Variant of Uncertain Significance.

Ambry Genetics
Classification: Benign for Inborn genetic diseases. Last evaluated: 2024-10-28. Review status: criteria provided, single submitter. Criteria: Ambry Variant Classification Scheme 2023. Collection method: clinical testing. Allele origin: germline.

Color Diagnostics, LLC DBA Color Health
Classification: Uncertain significance for Wilms tumor 1. Last evaluated: 2024-05-22. Review status: criteria provided, single submitter. Criteria: ACMG Guidelines, 2015. Collection method: clinical testing. Allele origin: germline.
Comment: This variant causes a G>A nucleotide substitution at the +4 position of intron 3 of the WT1 gene. This variant is also known as c.887+4G>A based on alternative transcripts, ENST00000452863 and NM_024426.6. Splice site prediction tools suggest that this variant may not impact RNA splicing. To our knowledge, functional studies have not been reported for this variant nor has this variant been reported in individuals affected with hereditary cancer in the literature. This variant has been identified in 7/271732 chromosomes in the general population by the Genome Aggregation Database (gnomAD). The available evidence is insufficient to determine the role of this variant in disease conclusively. Therefore, this variant is classified as a Variant of Uncertain Significance.

All of Us Research Program, National Institutes of Health
Classification: Uncertain significance for Wilms tumor 1. Last evaluated: 2023-06-08. Review status: criteria provided, single submitter. Criteria: ACMG Guidelines, 2015. Collection method: clinical testing. Allele origin: germline. Inheritance: Autosomal dominant inheritance. Observed: 5 variant alleles, 5 heterozygotes.
Comment: This variant causes a G>A nucleotide substitution at the +4 position of intron 3 of the WT1 gene. This variant is also known as c.887+4G>A based on alternative transcripts, ENST00000452863 and NM_024426.6. Splice site prediction tools suggest that this variant may not impact RNA splicing. To our knowledge, functional studies have not been reported for this variant nor has this variant been reported in individuals affected with hereditary cancer in the literature. This variant has been identified in 7/271732 chromosomes in the general population by the Genome Aggregation Database (gnomAD). The available evidence is insufficient to determine the role of this variant in disease conclusively. Therefore, this variant is classified as a Variant of Uncertain Significance.

This study involves interpretation of variants in research participants for the purpose of population health screening. Participant phenotype was not available at the time of variant classification. Additional details can be found in publication PMID: 35346344, PMCID: PMC8962531

Illumina Laboratory Services, Illumina
Classification: Uncertain significance for Wilms tumor 1. Last evaluated: 2018-01-13. Review status: criteria provided, single submitter. Criteria: ICSL Variant Classification Criteria 13 December 2019. Collection method: clinical testing. Allele origin: germline.

Illumina Laboratory Services, Illumina
Classification: Uncertain significance for Nephrotic syndrome, type 4. Last evaluated: 2018-01-13. Review status: criteria provided, single submitter. Criteria: ICSL Variant Classification Criteria 13 December 2019. Collection method: clinical testing. Allele origin: germline.

Illumina Laboratory Services, Illumina
Classification: Likely benign for Meacham syndrome. Last evaluated: 2018-01-13. Review status: criteria provided, single submitter. Criteria: ICSL Variant Classification Criteria 13 December 2019. Collection method: clinical testing. Allele origin: germline.
Comment: This variant was observed in the ICSL laboratory as part of a predisposition screen in an ostensibly healthy population. It had not been previously curated by ICSL or reported in the Human Gene Mutation Database (HGMD: prior to June 1st, 2018), and was therefore a candidate for classification through an automated scoring system. Utilizing variant allele frequency, disease prevalence and penetrance estimates, and inheritance mode, an automated score was calculated to assess if this variant is too frequent to cause the disease. Based on the score and internal cut-off values, a variant classified as likely benign is not then subjected to further curation. The score for this variant resulted in a classification of likely benign for this disease.

Literature cited by the submitters: PubMed 17576681 (cited by Labcorp Genetics (formerly Invitae), Labcorp); PubMed 9536098 (cited by Labcorp Genetics (formerly Invitae), Labcorp).

NM_024426.6(WT1):c.887+4G>A

Gene: WT1 (WT1 transcription factor; minus strand). Cytogenetic location: 11p13.
Variant type: single nucleotide variant.
Coding change: c.887+4G>A on transcript NM_024426.6 (MANE Select); 4 bases into the intron after coding-DNA position 887, G replaced by A.
Molecular consequence: intron variant.
Genome position (GRCh38, 1-based): chr11:32,427,952, C>T on the plus strand (G>A on the coding strand, the complement: WT1 is on the minus strand). VCF-style: chr11-32427952-C-T. GRCh37 (hg19) VCF-style: chr11-32449498-C-T.
Other names: c.764+4G>A (NM_001407050.1, NM_001407047.1); c.887+4G>A (NM_001407048.1, NM_001407049.1, NM_000378.6 and 4 more transcripts); c.125+4G>A (NM_001407051.1); c.236+4G>A (NM_001198552.2, NM_001198551.2).
Identifiers: ClinVar variation 304421 (VCV000304421.18), dbSNP rs778673400, ClinGen allele CA065807.